The following is an entry in ClinVar:

NM_000875.5(IGF1R):c.1893G>A (p.Trp631Ter)

Gene: IGF1R (insulin like growth factor 1 receptor; plus strand). Cytogenetic location: 15q26.3.
Variant type: single nucleotide variant.
Coding change: c.1893G>A on transcript NM_000875.5 (MANE Select); coding-DNA position 1893, G replaced by A.
Protein change: p.Trp631Ter; replaces tryptophan 631 with a stop codon.
Molecular consequence: nonsense.
Genome position (GRCh38, 1-based): chr15:98,916,028, G>A. VCF-style: chr15-98916028-G-A. GRCh37 (hg19) VCF-style: chr15-99459257-G-A.
Other names: c.1893G>A, p.Trp631Ter (NM_001291858.2); short protein forms W631*.
Identifiers: ClinVar variation 3657732 (VCV003657732.2).

ClinVar aggregate classification (germline): Pathogenic (1 of 4 stars; one submission).

Submission:

Labcorp Genetics (formerly Invitae), Labcorp
Classification: Pathogenic. Last evaluated: 2024-06-25. Review status: criteria provided, single submitter. Criteria: Invitae Variant Classification Sherloc (09022015). Collection method: clinical testing. Allele origin: germline.
Comment: This sequence change creates a premature translational stop signal (p.Trp631*) in the IGF1R gene. It is expected to result in an absent or disrupted protein product. Loss-of-function variants in IGF1R are known to be pathogenic (PMID: 14657428). This variant is not present in population databases (gnomAD no frequency). This variant has not been reported in the literature in individuals affected with IGF1R-related conditions. For these reasons, this variant has been classified as Pathogenic.

Literature cited by the submitters: PubMed 14657428.